The following is an entry in ClinVar:

NM_000435.3(NOTCH3):c.2792+6C>T

Gene: NOTCH3 (notch receptor 3; minus strand). Cytogenetic location: 19p13.12.
Variant type: single nucleotide variant.
Coding change: c.2792+6C>T on transcript NM_000435.3 (MANE Select); 6 bases into the intron after coding-DNA position 2792, C replaced by T.
Molecular consequence: intron variant.
Genome position (GRCh38, 1-based): chr19:15,181,570, G>A on the plus strand (C>T on the coding strand, the complement: NOTCH3 is on the minus strand). VCF-style: chr19-15181570-G-A. GRCh37 (hg19) VCF-style: chr19-15292381-G-A.
Identifiers: ClinVar variation 328401 (VCV000328401.5), dbSNP rs376329316, ClinGen allele CA9263279.
Genomic context (GRCh38, chr19:15,181,570, plus strand): 5'-TCGTCCCAGGTCCCAGGCCCCATCCCAAGCCAGAGTCCCTGCTCTCCAAGCAGAGGCCCC[G>A]CCCACCTGGGGCTGCAGTCGGGCAGGTCCTGTTCGCAGTGGAAGCCTCCGTAGCCTGGCG-3'

ClinVar aggregate classification (germline): Benign (1 of 4 stars; one submission).

Conditions:
Cerebral arteriopathy, autosomal dominant, with subcortical infarcts and leukoencephalopathy, type 1 (CADASIL1). Also called: CADASIL 1; Cerebral arteriopathy with subcortical infarcts and leukoencephalopathy 1; CASIL; DEMENTIA, HEREDITARY MULTIINFARCT TYPE. Identifiers: Orphanet 136, MedGen C4551768, MONDO:0000914, OMIM 125310.

Allele frequency attached by ClinVar (database versions not stated): gnomAD exomes 0.00001 and 0.00002; gnomAD 0.00001; TOPMed 0.00002; ESP Exome Variant Server 0.00009; ExAC 0.00012.
gnomAD v4.1: 18 of 1,549,154 alleles (0.0012%); highest among the groups gnomAD compares: Non-Finnish European, 0.00035%; no homozygotes.

Submission:

Illumina Laboratory Services, Illumina
Classification: Benign for Cerebral arteriopathy, autosomal dominant, with subcortical infarcts and leukoencephalopathy, type 1. Last evaluated: 2018-01-12. Review status: criteria provided, single submitter. Criteria: ICSL Variant Classification Criteria 13 December 2019. Collection method: clinical testing. Allele origin: germline.
Comment: This variant was observed in the ICSL laboratory as part of a predisposition screen in an ostensibly healthy population. It had not been previously curated by ICSL or reported in the Human Gene Mutation Database (HGMD: prior to June 1st, 2018), and was therefore a candidate for classification through an automated scoring system. Utilizing variant allele frequency, disease prevalence and penetrance estimates, and inheritance mode, an automated score was calculated to assess if this variant is too frequent to cause the disease. Based on the score and internal cut-off values, a variant classified as benign is not then subjected to further curation. The score for this variant resulted in a classification of benign for this disease.